The following is an entry in ClinVar:

ClinVar aggregate classification (germline): Uncertain significance (1 of 4 stars; one submission).

gnomAD v4.1: 2 of 1,613,346 alleles (0.00012%); highest among the groups gnomAD compares: African/African-American, 0.0013%; no homozygotes.

Submission:

GeneDx
Classification: Uncertain significance. Last evaluated: 2023-06-18. Review status: criteria provided, single submitter. Criteria: GeneDx Variant Classification Process June 2021. Collection method: clinical testing. Allele origin: germline. Affected: yes.
Comment: Not observed at significant frequency in large population cohorts (gnomAD); In silico analysis supports that this missense variant does not alter protein structure/function; Has not been previously published as pathogenic or benign to our knowledge

NM_002249.6(KCNN3):c.2189G>A (p.Ser730Asn)

Gene: KCNN3 (potassium calcium-activated channel subfamily N member 3; minus strand). Cytogenetic location: 1q21.3.
Variant type: single nucleotide variant.
Coding change: c.2189G>A on transcript NM_002249.6 (MANE Select); coding-DNA position 2189, G replaced by A.
Protein change: p.Ser730Asn; replaces serine 730 with asparagine.
Molecular consequence: missense variant.
Genome position (GRCh38, 1-based): chr1:154,707,983, C>T on the plus strand (G>A on the coding strand, the complement: KCNN3 is on the minus strand). VCF-style: chr1-154707983-C-T. GRCh37 (hg19) VCF-style: chr1-154680459-C-T.
Other names: c.2234G>A, p.Ser745Asn (NM_001204087.2); c.1295G>A, p.Ser432Asn (NM_001365837.1); c.1250G>A, p.Ser417Asn (NM_001365838.1); c.1274G>A, p.Ser425Asn (NM_170782.3); short protein forms S417N, S425N, S432N, S730N, S745N.
Identifiers: ClinVar variation 3360091 (VCV003360091.1).